The following is an entry in ClinVar:

ClinVar aggregate classification (germline): Pathogenic. Review status: criteria provided, multiple submitters, no conflicts (2 of 4 stars). 2 submissions from 2 submitters: Pathogenic (2). Last evaluated 2025-11-10.

Conditions:
Generalized juvenile polyposis/juvenile polyposis coli. Also called: Juvenile polyposis coli. Identifiers: Orphanet 329971, MedGen C1868081, MONDO:0008276.
Juvenile polyposis syndrome (JPS). Identifiers: Orphanet 2929, MedGen C0345893, MONDO:0017380, OMIM 174900.

Submissions (2):

Labcorp Genetics (formerly Invitae), Labcorp
Classification: Pathogenic for Juvenile polyposis syndrome. Last evaluated: 2025-11-10. Review status: criteria provided, single submitter. Criteria: Invitae Variant Classification Sherloc (09022015). Collection method: clinical testing. Allele origin: germline.
Comment: This sequence change creates a premature translational stop signal (p.Gln195*) in the BMPR1A gene. It is expected to result in an absent or disrupted protein product. Loss-of-function variants in BMPR1A are known to be pathogenic (PMID: 11536076, 12417513). This variant is not present in population databases (gnomAD no frequency). This premature translational stop signal has been observed in individual(s) with juvenile polyposis syndrome (PMID: 12136244). ClinVar contains an entry for this variant (Variation ID: 802600). For these reasons, this variant has been classified as Pathogenic.

Mendelics
Classification: Pathogenic for Juvenile polyposis syndrome. Last evaluated: 2019-05-28. Review status: criteria provided, single submitter. Criteria: Mendelics Assertion Criteria 2017. Collection method: clinical testing. Allele origin: unknown.

Literature cited by the submitters: PubMed 11536076 (cited by Labcorp Genetics (formerly Invitae), Labcorp); PubMed 12417513 (cited by Labcorp Genetics (formerly Invitae), Labcorp); PubMed 12136244 (cited by Labcorp Genetics (formerly Invitae), Labcorp).

NM_004329.3(BMPR1A):c.583C>T (p.Gln195Ter)

Gene: BMPR1A (bone morphogenetic protein receptor type 1A; plus strand). Cytogenetic location: 10q23.2.
Variant type: single nucleotide variant.
Coding change: c.583C>T on transcript NM_004329.3 (MANE Select); coding-DNA position 583, C replaced by T.
Protein change: p.Gln195Ter; replaces glutamine 195 with a stop codon.
Molecular consequence: nonsense.
Genome position (GRCh38, 1-based): chr10:86,912,292, C>T. VCF-style: chr10-86912292-C-T. GRCh37 (hg19) VCF-style: chr10-88672049-C-T.
Other names: short protein forms Q195*.
Identifiers: ClinVar variation 802600 (VCV000802600.6), dbSNP rs771910503, ClinGen allele CA377454564.
Genomic context (GRCh38, chr10:86,912,292, plus strand): 5'-TTTAAAAGACATTATTGCAAGAGCATCTCAAGCAGACGTCGTTACAATCGTGATTTGGAA[C>T]AGGATGAAGCATTTATTCCAGTTGGAGAATCACTAAAAGACCTTATTGACCAGTCACAAA-3'